The following is an entry in ClinVar:

ClinVar aggregate classification (germline): Pathogenic (1 of 4 stars; one submission).

Submission:

Labcorp Genetics (formerly Invitae), Labcorp
Classification: Pathogenic. Last evaluated: 2023-11-11. Review status: criteria provided, single submitter. Criteria: Invitae Variant Classification Sherloc (09022015). Collection method: clinical testing. Allele origin: germline.
Comment: This sequence change creates a premature translational stop signal (p.Tyr281*) in the MYO15A gene. It is expected to result in an absent or disrupted protein product. Loss-of-function variants in MYO15A are known to be pathogenic (PMID: 17546645). This variant is not present in population databases (gnomAD no frequency). This premature translational stop signal has been observed in individual(s) with deafness (PMID: 31370293). For these reasons, this variant has been classified as Pathogenic.

Literature cited by the submitters: PubMed 17546645; PubMed 31370293.

NM_016239.4(MYO15A):c.843C>A (p.Tyr281Ter)

Gene: MYO15A (myosin XVA; plus strand). Cytogenetic location: 17p11.2.
Variant type: single nucleotide variant.
Coding change: c.843C>A on transcript NM_016239.4 (MANE Select); coding-DNA position 843, C replaced by A.
Protein change: p.Tyr281Ter; replaces tyrosine 281 with a stop codon.
Molecular consequence: nonsense.
Genome position (GRCh38, 1-based): chr17:18,119,643, C>A. VCF-style: chr17-18119643-C-A. GRCh37 (hg19) VCF-style: chr17-18022957-C-A.
Other names: short protein forms Y281*.
Identifiers: ClinVar variation 2907508 (VCV002907508.3), dbSNP rs2545176812, ClinGen allele CA398576119.